The following is an entry in ClinVar:

ClinVar aggregate classification (germline): Benign/Likely benign. Review status: criteria provided, multiple submitters, no conflicts (2 of 4 stars). 3 submissions from 3 submitters: Benign (1); Likely benign (1). 1 of the submissions does not count toward it. Last evaluated 2026-09-01.

Conditions:
WDR11-related disorder. Also called: WDR11-related condition.

Allele frequency attached by ClinVar (database versions not stated): gnomAD exomes 0.00080 and 0.00091; ExAC 0.00095; 1000 Genomes Project 0.00160; 1000 Genomes Project 30x 0.00203; gnomAD 0.00243 and 0.00265; TOPMed 0.00258; ESP Exome Variant Server 0.00346.
gnomAD v4.1: 1,577 of 1,614,136 alleles (0.098%); highest among the groups gnomAD compares: African/African-American, 0.63%; 4 homozygotes.

Submissions (3):

CeGaT Center for Human Genetics Tuebingen
Classification: Likely benign. Last evaluated: 2026-09-01. Review status: criteria provided, single submitter. Criteria: CeGaT Center For Human Genetics Tuebingen Variant Classification Criteria Version 2. Collection method: clinical testing. Allele origin: germline. Affected: yes. Observed: 6 variant alleles.
Comment: WDR11: BP4, BP7

Labcorp Genetics (formerly Invitae), Labcorp
Classification: Benign. Last evaluated: 2025-05-20. Review status: criteria provided, single submitter. Criteria: Invitae Variant Classification Sherloc (09022015). Collection method: clinical testing. Allele origin: germline.

PreventionGenetics, part of Exact Sciences
Classification: Benign for WDR11-related condition. Last evaluated: 2021-02-03. Review status: no assertion criteria provided. Collection method: clinical testing. Allele origin: germline. Not counted in ClinVar's aggregate classification.
Comment: This variant is classified as benign based on ACMG/AMP sequence variant interpretation guidelines (Richards et al. 2015 PMID: 25741868, with internal and published modifications).

NM_018117.12(WDR11):c.1113C>T (p.Ala371=)

Gene: WDR11 (WD repeat domain 11; plus strand). Cytogenetic location: 10q26.12.
Variant type: single nucleotide variant.
Coding change: c.1113C>T on transcript NM_018117.12 (MANE Select); coding-DNA position 1113, C replaced by T.
Protein change: p.Ala371=; no amino-acid change (alanine 371 retained).
Molecular consequence: synonymous variant.
Genome position (GRCh38, 1-based): chr10:120,866,687, C>T. VCF-style: chr10-120866687-C-T. GRCh37 (hg19) VCF-style: chr10-122626199-C-T.
Identifiers: ClinVar variation 703311 (VCV000703311.30), dbSNP rs41287986, ClinGen allele CA5719621.